The following is an entry in ClinVar:

NM_001355436.2(SPTB):c.1324C>T (p.Gln442Ter)

Gene: SPTB (spectrin beta, erythrocytic; minus strand). Cytogenetic location: 14q23.3.
Variant type: single nucleotide variant.
Coding change: c.1324C>T on transcript NM_001355436.2 (MANE Select); coding-DNA position 1324, C replaced by T.
Protein change: p.Gln442Ter; replaces glutamine 442 with a stop codon.
Molecular consequence: nonsense.
Genome position (GRCh38, 1-based): chr14:64,796,574, G>A on the plus strand (C>T on the coding strand, the complement: SPTB is on the minus strand). VCF-style: chr14-64796574-G-A. GRCh37 (hg19) VCF-style: chr14-65263292-G-A.
Other names: p.Gln442*; c.1324C>T, p.Gln442Ter (NM_001024858.4, NM_001355437.2); short protein forms Q442*.
Identifiers: ClinVar variation 2438386 (VCV002438386.7), dbSNP rs2503180293, ClinGen allele CA390024680.
Genomic context (GRCh38, chr14:64,796,574, plus strand): 5'-AGAATGTCCCCTCTCCTGTCACCCAAAGCATGTCCCTCATTACCTGGGCCACGAGGCGCT[G>A]GTTTTCACTGAGCCAGGTCTCTCTCATTGCGGCCTTCCGGTCAAAGCGCCGGGCCAGTTG-3'

ClinVar aggregate classification (germline): Pathogenic/Likely pathogenic. Review status: criteria provided, multiple submitters, no conflicts (2 of 4 stars). 3 submissions from 3 submitters: Pathogenic (2); Likely pathogenic (1). Last evaluated 2025-09-16.

Submissions (3):

Mayo Clinic Laboratories, Mayo Clinic
Classification: Likely pathogenic. Last evaluated: 2025-09-16. Review status: criteria provided, single submitter. Criteria: ACMG Guidelines, 2015. Collection method: clinical testing. Allele origin: germline. Observed: 1 variant allele.
Comment: PM2_supporting, PVS1

Labcorp Genetics (formerly Invitae), Labcorp
Classification: Pathogenic. Last evaluated: 2024-01-19. Review status: criteria provided, single submitter. Criteria: Invitae Variant Classification Sherloc (09022015). Collection method: clinical testing. Allele origin: germline.
Comment: This sequence change creates a premature translational stop signal (p.Gln442*) in the SPTB gene. It is expected to result in an absent or disrupted protein product. Loss-of-function variants in SPTB are known to be pathogenic (PMID: 1391962, 1498324, 8844207, 26830532, 27292444). This variant is not present in population databases (gnomAD no frequency). This premature translational stop signal has been observed in individual(s) with SPTB-related conditions (PMID: 31602632). ClinVar contains an entry for this variant (Variation ID: 2438386). For these reasons, this variant has been classified as Pathogenic.

Revvity Omics, Revvity
Classification: Pathogenic. Last evaluated: 2022-04-02. Review status: criteria provided, single submitter. Criteria: ACMG Guidelines, 2015. Collection method: clinical testing. Allele origin: germline.

Literature cited by the submitters: PubMed 31602632 (cited by Mayo Clinic Laboratories, Mayo Clinic and Labcorp Genetics (formerly Invitae), Labcorp); PubMed 1391962 (cited by Labcorp Genetics (formerly Invitae), Labcorp); PubMed 1498324 (cited by Labcorp Genetics (formerly Invitae), Labcorp); PubMed 8844207 (cited by Labcorp Genetics (formerly Invitae), Labcorp); PubMed 26830532 (cited by Labcorp Genetics (formerly Invitae), Labcorp); PubMed 27292444 (cited by Labcorp Genetics (formerly Invitae), Labcorp).